The following is an entry in ClinVar:

ClinVar aggregate classification (germline): Uncertain significance (1 of 4 stars; one submission).

Submission:

Ambry Genetics
Classification: Uncertain significance. Last evaluated: 2025-07-09. Review status: criteria provided, single submitter. Criteria: Ambry Variant Classification Scheme 2023. Collection method: clinical testing. Allele origin: germline.
Comment: The p.P358L variant (also known as c.1073C>T), located in coding exon 3 of the EGLN1 gene, results from a C to T substitution at nucleotide position 1073. The proline at codon 358 is replaced by leucine, an amino acid with similar properties. This amino acid position is conserved. In addition, this alteration is predicted to be deleterious by in silico analysis. Based on the available evidence, the clinical significance of this variant remains unclear.

NM_022051.3(EGLN1):c.1073C>T (p.Pro358Leu)

Gene: EGLN1 (egl-9 family hypoxia inducible factor 1; minus strand). Cytogenetic location: 1q42.2.
Variant type: single nucleotide variant.
Coding change: c.1073C>T on transcript NM_022051.3 (MANE Select); coding-DNA position 1073, C replaced by T.
Protein change: p.Pro358Leu; replaces proline 358 with leucine.
Molecular consequence: missense variant. On other transcripts: intron variant (1).
Genome position (GRCh38, 1-based): chr1:231,370,637, G>A on the plus strand (C>T on the coding strand, the complement: EGLN1 is on the minus strand). VCF-style: chr1-231370637-G-A. GRCh37 (hg19) VCF-style: chr1-231506383-G-A.
Other names: c.1073C>T, p.Pro358Leu (NM_001377260.1); c.1012-3001C>T (NM_001377261.1); short protein forms P358L.
Identifiers: ClinVar variation 4247392 (VCV004247392.1).
Genomic context (GRCh38, chr1:231,370,637, plus strand): 5'-GGTTGTACTTCATGAGGGTTGCGACGGTCAGACCAGAAAAACAGCAGTCTATCAAATTTG[G>A]GTTCAATGTCAGCAAACTGGGCTTTGCCTTCTGGAAAAATTCGAAGTATACCTCCACTTA-3'
Protein context (NP_071334.1, residues 348-368): EGKAQFADIE[Pro358Leu]KFDRLLFFWS